The following is an entry in ClinVar:

ClinVar aggregate classification (germline): Uncertain significance (1 of 4 stars; one submission).

gnomAD v4.1: 9 of 1,608,784 alleles (0.00056%); highest among the groups gnomAD compares: African/African-American, 0.0067%; no homozygotes.

Submission:

Women's Health and Genetics/Laboratory Corporation of America, LabCorp
Classification: Uncertain significance. Last evaluated: 2024-05-17. Review status: criteria provided, single submitter. Criteria: LabCorp Variant Classification Summary - May 2015. Collection method: clinical testing. Allele origin: germline.
Comment: Variant summary: DYNC1I2 c.1903C>T (p.Arg635X) results in a premature termination codon in the last exon, predicted to cause a truncation of the encoded protein, however it is not expected to result in nonsense mediated decay. The variant allele was found at a frequency of 1.2e-05 in 247178 control chromosomes. The available data on variant occurrences in the general population are insufficient to allow any conclusion about variant significance. To our knowledge, no occurrence of c.1903C>T in individuals affected with Neurodevelopmental Disorder With Microcephaly And Structural Brain Anomalies and no experimental evidence demonstrating its impact on protein function have been reported. No submitters have cited clinical-significance assessments for this variant to ClinVar. Based on the evidence outlined above, the variant was classified as uncertain significance.

NM_001378.3(DYNC1I2):c.1903C>T (p.Arg635Ter)

Gene: DYNC1I2 (dynein cytoplasmic 1 intermediate chain 2; plus strand). Cytogenetic location: 2q31.1.
Variant type: single nucleotide variant.
Coding change: c.1903C>T on transcript NM_001378.3 (MANE Select); coding-DNA position 1903, C replaced by T.
Protein change: p.Arg635Ter; replaces arginine 635 with a stop codon.
Molecular consequence: nonsense.
Genome position (GRCh38, 1-based): chr2:171,747,875, C>T. VCF-style: chr2-171747875-C-T. GRCh37 (hg19) VCF-style: chr2-172604385-C-T.
Other names: c.1903C>T, p.Arg635Ter (NM_001271785.2); c.1879C>T, p.Arg627Ter (NM_001271786.2, NM_001271787.2); c.1825C>T, p.Arg609Ter (NM_001271788.2, NM_001271789.2); c.1822C>T, p.Arg608Ter (NM_001271790.2, NM_001320884.2); c.1885C>T, p.Arg629Ter (NM_001320882.2, NM_001320883.2); c.1882C>T, p.Arg628Ter (NM_001378455.1, NM_001378456.1); short protein forms R608*, R609*, R627*, R628*, R629*, R635*.
Identifiers: ClinVar variation 3336508 (VCV003336508.1).